The following is an entry in ClinVar:

NM_007294.4(BRCA1):c.3947_3958del (p.Phe1316_Gly1319del)

Genes: BRCA1 (BRCA1 DNA repair associated; minus strand), LOC126862571 (BRD4-independent group 4 enhancer GRCh37_chr17:41243136-41244335; plus strand). Cytogenetic location: 17q21.31.
Variant type: Deletion.
Coding change: c.3947_3958del on transcript NM_007294.4 (MANE Select); coding-DNA positions 3947 to 3958, 12 bases deleted (TCTTGATTGGTT).
Protein change: p.Phe1316_Gly1319del.
Molecular consequence: inframe indel (on NM_007294.3). On other transcripts: intron variant (135).
Genome position (GRCh38, 1-based): chr17:43,091,573-43,091,584, AACCAATCAAGA deleted on the plus strand (TCTTGATTGGTT on the coding strand, the reverse complement: BRCA1 is on the minus strand); deleting any 12 consecutive bases within chr17:43,091,573-43,091,586 gives the same sequence; the c. name uses the placement nearest the transcript's 3' end. VCF-style (leftmost placement, unchanged base first): chr17-43091572-GAACCAATCAAGA-G. GRCh37 (hg19) VCF-style: chr17-41243589-GAACCAATCAAGA-G.
Other names: c.3806_3817del, p.Phe1269_Gly1272del (NM_001407732.1, NM_001407733.1, NM_001407734.1 and 29 more transcripts); c.3947_3958del12 (NM_007294.3); c.3737_3748del, p.Phe1246_Gly1249del (NM_001407909.1, NM_001407910.1, NM_001407879.1 and 13 more transcripts); c.3734_3745del, p.Phe1245_Gly1248del (NM_001407915.1, NM_001407916.1, NM_001407917.1 and 9 more transcripts); c.3824_3835del, p.Phe1275_Gly1278del (NM_001407919.1, NM_001407937.1, NM_001407938.1 and 19 more transcripts); c.3683_3694del, p.Phe1228_Gly1231del (NM_001407920.1, NM_001407921.1, NM_001407922.1 and 9 more transcripts); c.3680_3691del, p.Phe1227_Gly1230del (NM_001407930.1, NM_001407931.1, NM_001407932.1 and 2 more transcripts); c.3821_3832del, p.Phe1274_Gly1277del (NM_001407940.1, NM_001407941.1, NM_001407649.1 and 11 more transcripts); and 42 more.
Identifiers: ClinVar variation 4215097 (VCV004215097.1).

ClinVar aggregate classification (germline): Uncertain significance (1 of 4 stars; one submission).

Conditions:
Hereditary cancer-predisposing syndrome. Also called: Neoplastic Syndromes, Hereditary; Tumor predisposition; Hereditary Cancer Syndrome; Hereditary neoplastic syndrome. Identifiers: Orphanet 140162, MedGen C0027672, MeSH D009386, MONDO:0015356.

Submission:

Ambry Genetics
Classification: Uncertain significance for Hereditary cancer-predisposing syndrome. Last evaluated: 2025-07-24. Review status: criteria provided, single submitter. Criteria: Ambry Variant Classification Scheme 2023. Collection method: clinical testing. Allele origin: germline.
Comment: The c.3947_3958del12 variant (also known as p.F1316_G1319del) is located in coding exon 9 of the BRCA1 gene. This variant results from an in-frame TCTTGATTGGTT deletion at nucleotide positions 3947 to 3958. This results in the in-frame deletion of four amino acids at codons 1316 to 1319. This amino acid region is well conserved in available vertebrate species. In addition, the in silico prediction for this variant is inconclusive (Choi Y et al. PLoS ONE. 2012; 7(10):e46688). Based on the available evidence, the clinical significance of this variant remains unclear.